The following is an entry in ClinVar:

ClinVar aggregate classification (germline): Uncertain significance (1 of 4 stars; one submission).

Conditions:
Immunodeficiency. Identifiers: MedGen C0021051, MONDO:0021094, HP:0002721.

Allele frequency attached by ClinVar (database versions not stated): gnomAD exomes below 0.00001.

Submission:

Labcorp Genetics (formerly Invitae), Labcorp
Classification: Uncertain significance for Immunodeficiency. Last evaluated: 2023-08-10. Review status: criteria provided, single submitter. Criteria: Invitae Variant Classification Sherloc (09022015). Collection method: clinical testing. Allele origin: germline.
Comment: In summary, the available evidence is currently insufficient to determine the role of this variant in disease. Therefore, it has been classified as a Variant of Uncertain Significance. An algorithm developed to predict the effect of missense changes on protein structure and function (PolyPhen-2) suggests that this variant is likely to be tolerated. This variant has not been reported in the literature in individuals affected with NFAT5-related conditions. This variant is not present in population databases (gnomAD no frequency). This sequence change replaces proline, which is neutral and non-polar, with serine, which is neutral and polar, at codon 198 of the NFAT5 protein (p.Pro198Ser).

NM_138713.4(NFAT5):c.874C>T (p.Pro292Ser)

Gene: NFAT5 (nuclear factor of activated T cells 5; plus strand). Cytogenetic location: 16q22.1.
Variant type: single nucleotide variant.
Coding change: c.874C>T on transcript NM_138713.4 (MANE Select); coding-DNA position 874, C replaced by T.
Protein change: p.Pro292Ser; replaces proline 292 with serine.
Molecular consequence: missense variant.
Genome position (GRCh38, 1-based): chr16:69,653,297, C>T. VCF-style: chr16-69653297-C-T. GRCh37 (hg19) VCF-style: chr16-69687200-C-T.
Other names: c.874C>T, p.Pro292Ser (NM_001113178.3); c.202C>T, p.Pro68Ser (NM_001367709.1); c.820C>T, p.Pro274Ser (NM_006599.4); c.592C>T, p.Pro198Ser (NM_138714.4, NM_173214.3, NM_173215.3); short protein forms P198S, P274S, P292S, P68S.
Identifiers: ClinVar variation 2751659 (VCV002751659.3), dbSNP rs2543969124, ClinGen allele CA396489261.